The following is an entry in ClinVar:

NM_003482.4(KMT2D):c.11775_11810del (p.Leu3926_Gln3937del)

Gene: KMT2D (lysine methyltransferase 2D; minus strand). Cytogenetic location: 12q13.12.
Variant type: Deletion.
Coding change: c.11775_11810del on transcript NM_003482.4 (MANE Select); coding-DNA positions 11775 to 11810, 36 bases deleted.
Protein change: p.Leu3926_Gln3937del.
Genome position (GRCh38, 1-based): chr12:49,032,895-49,032,930, 36 bases deleted; deleting any 36 consecutive bases within chr12:49,032,895-49,032,941 gives the same sequence; the c. name uses the placement nearest the transcript's 3' end. GRCh37 (hg19): chr12:49,426,689-49,426,724.
Identifiers: ClinVar variation 3728107 (VCV003728107.2).

ClinVar aggregate classification (germline): Uncertain significance (1 of 4 stars; one submission).

Conditions:
Kabuki syndrome. Also called: NIIKAWA-KUROKI SYNDROME; Kabuki make-up syndrome. Identifiers: Orphanet 2322, MedGen C0796004, MONDO:0016512.

Submission:

Labcorp Genetics (formerly Invitae), Labcorp
Classification: Uncertain significance for Kabuki syndrome. Last evaluated: 2024-12-26. Review status: criteria provided, single submitter. Criteria: Invitae Variant Classification Sherloc (09022015). Collection method: clinical testing. Allele origin: germline.
Comment: This variant, c.11775_11810del, results in the deletion of 12 amino acid(s) of the KMT2D protein (p.Leu3926_Gln3937del), but otherwise preserves the integrity of the reading frame. This variant is not present in population databases (gnomAD no frequency). This variant has not been reported in the literature in individuals affected with KMT2D-related conditions. Experimental studies and prediction algorithms are not available or were not evaluated, and the functional significance of this variant is currently unknown. In summary, the available evidence is currently insufficient to determine the role of this variant in disease. Therefore, it has been classified as a Variant of Uncertain Significance.